The following is an entry in ClinVar:

NM_177550.5(SLC13A5):c.1252T>A (p.Phe418Ile)

Gene: SLC13A5 (solute carrier family 13 member 5; minus strand). Cytogenetic location: 17p13.1.
Variant type: single nucleotide variant.
Coding change: c.1252T>A on transcript NM_177550.5 (MANE Select); coding-DNA position 1252, T replaced by A.
Protein change: p.Phe418Ile; replaces phenylalanine 418 with isoleucine.
Molecular consequence: missense variant.
Genome position (GRCh38, 1-based): chr17:6,693,067, A>T on the plus strand (T>A on the coding strand, the complement: SLC13A5 is on the minus strand). VCF-style: chr17-6693067-A-T. GRCh37 (hg19) VCF-style: chr17-6596386-A-T.
Other names: c.1252T>A, p.Phe418Ile (NM_001143838.3); c.1201T>A, p.Phe401Ile (NM_001284509.2); c.1123T>A, p.Phe375Ile (NM_001284510.2); short protein forms F401I, F375I, F418I.
Identifiers: ClinVar variation 2131153 (VCV002131153.4), dbSNP rs1567616033, ClinGen allele CA397740997.

ClinVar aggregate classification (germline): Uncertain significance (1 of 4 stars; one submission).

Conditions:
Developmental and epileptic encephalopathy, 25 (DEE25). Also called: Developmental and epileptic encephalopathy 25, with amelogenesis imperfecta; Epileptic encephalopathy, early infantile, 25, with amelogenesis imperfecta; Epileptic encephalopathy, early infantile, 25. Identifiers: Orphanet 442835, MedGen C4014621, MONDO:0014392, OMIM 615905.

Submission:

Labcorp Genetics (formerly Invitae), Labcorp
Classification: Uncertain significance for Developmental and epileptic encephalopathy, 25. Last evaluated: 2022-04-28. Review status: criteria provided, single submitter. Criteria: Invitae Variant Classification Sherloc (09022015). Collection method: clinical testing. Allele origin: germline.
Comment: This variant is not present in population databases (gnomAD no frequency). In summary, the available evidence is currently insufficient to determine the role of this variant in disease. Therefore, it has been classified as a Variant of Uncertain Significance. Algorithms developed to predict the effect of missense changes on protein structure and function are either unavailable or do not agree on the potential impact of this missense change (SIFT: "Deleterious"; PolyPhen-2: "Possibly Damaging"; Align-GVGD: "Class C15"). This variant has not been reported in the literature in individuals affected with SLC13A5-related conditions. This sequence change replaces phenylalanine, which is neutral and non-polar, with isoleucine, which is neutral and non-polar, at codon 418 of the SLC13A5 protein (p.Phe418Ile).